The following is an entry in ClinVar:

NM_013436.5(NCKAP1):c.109-1091A>G

Gene: NCKAP1 (NCK associated protein 1; minus strand). Cytogenetic location: 2q32.1.
Variant type: single nucleotide variant.
Coding change: c.109-1091A>G on transcript NM_013436.5 (MANE Select); 1091 bases into the intron before coding-DNA position 109, A replaced by G.
Molecular consequence: intron variant.
Genome position (GRCh38, 1-based): chr2:183,025,007, T>C on the plus strand (A>G on the coding strand, the complement: NCKAP1 is on the minus strand). VCF-style: chr2-183025007-T-C. GRCh37 (hg19) VCF-style: chr2-183889735-T-C.
Other names: c.109-12A>G (NM_205842.3).
Identifiers: ClinVar variation 2712719 (VCV002712719.3), dbSNP rs772657713, ClinGen allele CA2526846790.
Genomic context (GRCh38, chr2:183,025,007, plus strand): 5'-GGGCAGAGGGAAGGTGAAAAGCTTTGCAAACCTTCCAAACTTGTCCTTGCTGGGGAAGCA[T>C]TGTAATAAAAAGAGAGAAAATTACGTGTAAACAATGATTGTCAAACTATGATATACGTTT-3'

ClinVar aggregate classification (germline): Uncertain significance (1 of 4 stars; one submission).

Submission:

Labcorp Genetics (formerly Invitae), Labcorp
Classification: Uncertain significance. Last evaluated: 2023-07-06. Review status: criteria provided, single submitter. Criteria: Invitae Variant Classification Sherloc (09022015). Collection method: clinical testing. Allele origin: germline.
Comment: This sequence change falls in intron 1 of the NCKAP1 gene. It does not directly change the encoded amino acid sequence of the NCKAP1 protein. This variant is not present in population databases (gnomAD no frequency). This variant has not been reported in the literature in individuals affected with NCKAP1-related conditions. Algorithms developed to predict the effect of sequence changes on RNA splicing suggest that this variant may create or strengthen a splice site. In summary, the available evidence is currently insufficient to determine the role of this variant in disease. Therefore, it has been classified as a Variant of Uncertain Significance.